The following is an entry in ClinVar:

NM_001164508.2(NEB):c.11815_11822del (p.Thr3939fs)

Gene: NEB (nebulin; minus strand). Cytogenetic location: 2q23.3.
Variant type: Deletion.
Coding change: c.11815_11822del on transcript NM_001164508.2 (MANE Select); coding-DNA positions 11815 to 11822, 8 bases deleted (ACAGAAGC; older notation c.11815_11822delACAGAAGC).
Protein change: p.Thr3939fs; shifts the reading frame from threonine 3939.
Molecular consequence: frameshift variant.
Genome position (GRCh38, 1-based): chr2:151,610,850-151,610,857, GCTTCTGT deleted on the plus strand (ACAGAAGC on the coding strand, the reverse complement: NEB is on the minus strand); deleting any 8 consecutive bases within chr2:151,610,850-151,610,858 gives the same sequence; the c. name uses the placement nearest the transcript's 3' end. VCF-style (leftmost placement, unchanged base first): chr2-151610849-AGCTTCTGT-A. GRCh37 (hg19) VCF-style: chr2-152467363-AGCTTCTGT-A.
Other names: c.11815_11822del, p.Thr3939fs (NM_001164507.2, NM_001271208.2); c.11086_11093del, p.Thr3696fs (NM_004543.5); short protein forms T3696fs, T3939fs.
Identifiers: ClinVar variation 5012643 (VCV005012643.1).
Genomic context (GRCh38, chr2:151,610,849, plus strand): 5'-GGCCAGCAGGATATCTGGGGTGTCTGGCATCACGTGGATGGAGGTTTTGTCAGCATCCCA[AGCTTCTGT>A]GTATAAATGCTACAGGGCAGGGCGGCATGGGGCATGGGGAGAGGGAGGGAGTATAAGACC-3'

ClinVar aggregate classification (germline): Pathogenic (1 of 4 stars; one submission).

Conditions:
Nemaline myopathy 2 (NEM2). Also called: Nemaline myopathy 2, autosomal recessive. Identifiers: MedGen C1850569, MONDO:0009725, OMIM 256030.

Submission:

Myriad Genetics, Inc.
Classification: Pathogenic for Nemaline myopathy 2. Last evaluated: 2024-01-11. Review status: criteria provided, single submitter. Criteria: Myriad Autosomal Dominant, Autosomal Recessive and X-Linked Classification Criteria (2023). Collection method: clinical testing. Allele origin: unknown.
Comment: NM_001271208.1(NEB):c.11815_11822del8(T3939Lfs*4) is expected to be pathogenic in the context of NEB-related nemaline myopathy. This variant is predicted to lead to an abnormal or absent protein product due to the creation of a premature termination codon in NEB, a gene where loss-of-function variants are known to be pathogenic. Please note: this variant was assessed in the context of healthy population screening.